The following is an entry in ClinVar:

NM_004577.4(PSPH):c.597T>G (p.Asn199Lys)

Gene: PSPH (phosphoserine phosphatase; minus strand). Cytogenetic location: 7p11.2.
Variant type: single nucleotide variant.
Coding change: c.597T>G on transcript NM_004577.4 (MANE Select); coding-DNA position 597, T replaced by G.
Protein change: p.Asn199Lys; replaces asparagine 199 with lysine.
Molecular consequence: missense variant.
Genome position (GRCh38, 1-based): chr7:56,011,843, A>C on the plus strand (T>G on the coding strand, the complement: PSPH is on the minus strand). VCF-style: chr7-56011843-A-C. GRCh37 (hg19) VCF-style: chr7-56079536-A-C.
Other names: c.597T>G, p.Asn199Lys (NM_001370503.1, NM_001370504.1, NM_001370505.1 and 17 more transcripts); short protein forms N199K.
Identifiers: ClinVar variation 1374017 (VCV001374017.3), dbSNP rs1324086852, ClinGen allele CA367595469.

ClinVar aggregate classification (germline): Uncertain significance (1 of 4 stars; one submission).

Conditions:
Deficiency of phosphoserine phosphatase (PSPHD). Also called: PSPH deficiency; Phosphoserine phosphatase deficiency. Identifiers: Orphanet 79350, MedGen C1291463, MONDO:0013531, OMIM 614023.

Allele frequency attached by ClinVar (database versions not stated): gnomAD exomes 0.00001 and 0.00002; gnomAD 0.00002; TOPMed 0.00003.
gnomAD v4.1: 37 of 1,611,980 alleles (0.0023%); highest among the groups gnomAD compares: Non-Finnish European, 0.003%; no homozygotes.

Submission:

Labcorp Genetics (formerly Invitae), Labcorp
Classification: Uncertain significance for Deficiency of phosphoserine phosphatase. Last evaluated: 2022-08-09. Review status: criteria provided, single submitter. Criteria: Invitae Variant Classification Sherloc (09022015). Collection method: clinical testing. Allele origin: germline.
Comment: This sequence change replaces asparagine, which is neutral and polar, with lysine, which is basic and polar, at codon 199 of the PSPH protein (p.Asn199Lys). This variant is present in population databases (no rsID available, gnomAD 0.003%). This missense change has been observed in individual(s) with PSPH-related conditions (PMID: 26633542). ClinVar contains an entry for this variant (Variation ID: 1374017). Algorithms developed to predict the effect of missense changes on protein structure and function are either unavailable or do not agree on the potential impact of this missense change (SIFT: "Tolerated"; PolyPhen-2: "Probably Damaging"; Align-GVGD: "Class C0"). In summary, the available evidence is currently insufficient to determine the role of this variant in disease. Therefore, it has been classified as a Variant of Uncertain Significance.

Literature cited by the submitters: PubMed 26633542.